The following is an entry in ClinVar:

ClinVar aggregate classification (germline): Uncertain significance. Review status: criteria provided, multiple submitters, no conflicts (2 of 4 stars). 5 submissions from 5 submitters: Uncertain significance (5). Last evaluated 2025-03-26.

Conditions:
Cardiovascular phenotype. Identifiers: MedGen CN230736.
Arrhythmogenic right ventricular cardiomyopathy (ARVD). Also called: Cardiomyopathy, ARVC; Arrhythmogenic right ventricular dysplasia; Arrhythmogenic cardiomyopathy; Arrhythmogenic Right Ventricular Cardiomyopathy (ARVC). Identifiers: Orphanet 247, MedGen C0349788, MeSH D019571, MONDO:0016587. Disease mechanism: loss of function. Inheritance: Various modes of inheritance.
Cardiomyopathy (CMYO). Also called: Cardiomyopathies. Identifiers: Orphanet 167848, MedGen C0878544, MONDO:0004994, HP:0001638. Inheritance: Various modes of inheritance.
Arrhythmogenic right ventricular dysplasia 10. Also called: Arrhythmogenic Right Ventricular Dysplasia/Cardiomyopathy10; ARRHYTHMOGENIC RIGHT VENTRICULAR DYSPLASIA, FAMILIAL, 10; Arrhythmogenic right ventricular dysplasia/cardiomyopathy, type 10. Identifiers: MedGen C1857777, MONDO:0012434, OMIM 610193.

Allele frequency attached by ClinVar (database versions not stated): gnomAD exomes below 0.00001; ExAC 0.00001; TOPMed 0.00001; gnomAD 0.00005.
gnomAD v4.1: 8 of 1,613,502 alleles (0.0005%); highest among the groups gnomAD compares: African/African-American, 0.011%; no homozygotes.

Submissions (5):

Labcorp Genetics (formerly Invitae), Labcorp
Classification: Uncertain significance for Arrhythmogenic right ventricular dysplasia 10. Last evaluated: 2025-03-26. Review status: criteria provided, single submitter. Criteria: Invitae Variant Classification Sherloc (09022015). Collection method: clinical testing. Allele origin: germline.
Comment: This sequence change replaces alanine, which is neutral and non-polar, with serine, which is neutral and polar, at codon 781 of the DSG2 protein (p.Ala781Ser). This variant is present in population databases (rs760402926, gnomAD 0.008%). This variant has not been reported in the literature in individuals affected with DSG2-related conditions. ClinVar contains an entry for this variant (Variation ID: 840487). Invitae Evidence Modeling of protein sequence and biophysical properties (such as structural, functional, and spatial information, amino acid conservation, physicochemical variation, residue mobility, and thermodynamic stability) indicates that this missense variant is not expected to disrupt DSG2 protein function with a negative predictive value of 95%. In summary, the available evidence is currently insufficient to determine the role of this variant in disease. Therefore, it has been classified as a Variant of Uncertain Significance.

All of Us Research Program, National Institutes of Health
Classification: Uncertain significance for Arrhythmogenic right ventricular cardiomyopathy. Last evaluated: 2024-04-16. Review status: criteria provided, single submitter. Criteria: ACMG Guidelines, 2015. Collection method: clinical testing. Allele origin: germline. Inheritance: Autosomal dominant inheritance. Observed: 2 variant alleles, 2 heterozygotes.
Comment: This missense variant replaces alanine with serine at codon 781 of the DSG2 protein. Computational prediction suggests that this variant may not impact protein structure and function (internally defined REVEL score threshold <= 0.5, PMID: 27666373). Splice site prediction tools suggest that this variant may not impact RNA splicing. To our knowledge, functional studies have not been performed for this variant. This variant has not been reported in individuals affected with cardiovascular disorders in the literature. This variant has been identified in 2/280362 chromosomes in the general population by the Genome Aggregation Database (gnomAD). The available evidence is insufficient to determine the role of this variant in disease conclusively. Therefore, this variant is classified as a Variant of Uncertain Significance.

This study involves interpretation of variants in research participants for the purpose of population health screening. Participant phenotype was not available at the time of variant classification. Additional details can be found in publication PMID: 35346344, PMCID: PMC8962531

Color Diagnostics, LLC DBA Color Health
Classification: Uncertain significance for Cardiomyopathy. Last evaluated: 2024-03-06. Review status: criteria provided, single submitter. Criteria: ACMG Guidelines, 2015. Collection method: clinical testing. Allele origin: germline.
Comment: This missense variant replaces alanine with serine at codon 781 of the DSG2 protein. Computational prediction suggests that this variant may not impact protein structure and function (internally defined REVEL score threshold <= 0.5, PMID: 27666373). Splice site prediction tools suggest that this variant may not impact RNA splicing. To our knowledge, functional studies have not been performed for this variant. This variant has not been reported in individuals affected with cardiovascular disorders in the literature. This variant has been identified in 2/280362 chromosomes in the general population by the Genome Aggregation Database (gnomAD). The available evidence is insufficient to determine the role of this variant in disease conclusively. Therefore, this variant is classified as a Variant of Uncertain Significance.

Ambry Genetics
Classification: Uncertain significance for Cardiovascular phenotype. Last evaluated: 2023-08-07. Review status: criteria provided, single submitter. Criteria: Ambry Variant Classification Scheme 2023. Collection method: clinical testing. Allele origin: germline.
Comment: The p.A781S variant (also known as c.2341G>T), located in coding exon 15 of the DSG2 gene, results from a G to T substitution at nucleotide position 2341. The alanine at codon 781 is replaced by serine, an amino acid with similar properties. This amino acid position is conserved. In addition, this alteration is predicted to be tolerated by in silico analysis. Since supporting evidence is limited at this time, the clinical significance of this alteration remains unclear.

GeneDx
Classification: Uncertain significance. Last evaluated: 2022-10-26. Review status: criteria provided, single submitter. Criteria: GeneDx Variant Classification Process June 2021. Collection method: clinical testing. Allele origin: germline. Affected: yes.
Comment: Has not been previously published as pathogenic or benign to our knowledge; Not observed at significant frequency in large population cohorts (gnomAD); In silico analysis supports that this missense variant does not alter protein structure/function

NM_001943.5(DSG2):c.2341G>T (p.Ala781Ser)

Genes: DSG2 (desmoglein 2; plus strand), DSG2-AS1 (DSG2 antisense RNA 1; minus strand). Cytogenetic location: 18q12.1.
Variant type: single nucleotide variant.
Coding change: c.2341G>T on transcript NM_001943.5 (MANE Select); coding-DNA position 2341, G replaced by T.
Protein change: p.Ala781Ser; replaces alanine 781 with serine.
Molecular consequence: missense variant.
Genome position (GRCh38, 1-based): chr18:31,545,727, G>T. VCF-style: chr18-31545727-G-T. GRCh37 (hg19) VCF-style: chr18-29125690-G-T.
Other names: short protein forms A781S.
Identifiers: ClinVar variation 840487 (VCV000840487.16), dbSNP rs760402926, ClinGen allele CA045858.
Genomic context (GRCh38, chr18:31,545,727, plus strand): 5'-ATATTGCTAATTATTTGTCTGTTTTGTGTTTGTTTTGTTTTGTTTTCATTTTAGAAAGCG[G>T]CCTCTTACACTGAGGAAGATGAAAATCACACAGCCAAAGATTGCCTTCTGGTTTATTCTC-3'
Protein context (NP_001934.2, residues 771-791): FLRNYFTDKA[Ala781Ser]SYTEEDENHT